The following is an entry in ClinVar:

NM_000051.4(ATM):c.-30-17A>G

Gene: ATM (ATM serine/threonine kinase; plus strand). Cytogenetic location: 11q22.3.
Variant type: single nucleotide variant.
Coding change: c.-30-17A>G on transcript NM_000051.4 (MANE Select); 17 bases into the intron before 30 bases upstream of the start codon, A replaced by G.
Molecular consequence: intron variant.
Genome position (GRCh38, 1-based): chr11:108,227,578, A>G. VCF-style: chr11-108227578-A-G. GRCh37 (hg19) VCF-style: chr11-108098305-A-G.
Other names: c.-30-17A>G (NM_001351834.2, NM_001351835.2, NM_001351836.2).
Identifiers: ClinVar variation 386696 (VCV000386696.1), dbSNP rs549786728, ClinGen allele CA6264486.
Genomic context (GRCh38, chr11:108,227,578, plus strand): 5'-ATTTTTTCACACCTCTTTCTCTCTATATATGCATATATACATATACATATATATACCTAT[A>G]TGTATTTTTTTTACAGACAGTGATGTGTGTTCTGAAATTGTGAACCATGAGTCTAGTACT-3'

ClinVar aggregate classification (germline): Likely benign (1 of 4 stars; one submission).

Allele frequency attached by ClinVar (database versions not stated): gnomAD exomes below 0.00001 and 0.00002; ExAC 0.00004; gnomAD 0.00004 and 0.00005; TOPMed 0.00004; 1000 Genomes Project 30x 0.00016; 1000 Genomes Project 0.00020.
gnomAD v4.1: 10 of 1,460,732 alleles (0.00068%); highest among the groups gnomAD compares: African/African-American, 0.013%; no homozygotes.

Submission:

GeneDx
Classification: Likely benign. Last evaluated: 2017-03-10. Review status: criteria provided, single submitter. Criteria: GeneDx Variant Classification (06012015). Collection method: clinical testing. Allele origin: germline. Affected: yes.
Comment: This variant is considered likely benign or benign based on one or more of the following criteria: it is a conservative change, it occurs at a poorly conserved position in the protein, it is predicted to be benign by multiple in silico algorithms, and/or has population frequency not consistent with disease.